The following is an entry in ClinVar:

NC_012920.1(MT-TR):m.10420A>G

Gene: MT-TR (mitochondrially encoded tRNA arginine; plus strand).
Variant type: single nucleotide variant.
Genome position: chrM-10420-A-G.
Identifiers: ClinVar variation 690117 (VCV000690117.1), dbSNP rs1603222829, ClinGen allele CA913163177.

ClinVar aggregate classification (germline): Benign (1 of 4 stars; one submission).

Conditions:
MELAS syndrome (MELAS). Also called: Juvenile myopathy, encephalopathy, lactic acidosis, stroke. Identifiers: Orphanet 550, MedGen C0162671, MONDO:0010789, OMIM 540000.

Submission:

Wong Mito Lab, Molecular and Human Genetics, Baylor College of Medicine
Classification: Benign for MELAS syndrome. Last evaluated: 2019-07-12. Review status: criteria provided, single submitter. Criteria: Modified ACMG Guidelines (Unpublished). Collection method: clinical testing. Allele origin: germline.
Comment: The NC_012920.1:m.10420A>G variant in MT-TR gene is interpreted to be a Benign variant based on the modified ACMG guidelines (unpublished). This variant meets the following evidence codes reported in the guidelines: BS1, BS2, BP4

Literature cited by the submitters: PubMed 31965079.